The following is an entry in ClinVar:

NM_006063.3(KLHL41):c.464G>A (p.Arg155His)

Gene: KLHL41 (kelch like family member 41; plus strand). Cytogenetic location: 2q31.1.
Variant type: single nucleotide variant.
Coding change: c.464G>A on transcript NM_006063.3 (MANE Select); coding-DNA position 464, G replaced by A.
Protein change: p.Arg155His; replaces arginine 155 with histidine.
Molecular consequence: missense variant.
Genome position (GRCh38, 1-based): chr2:169,510,242, G>A. VCF-style: chr2-169510242-G-A. GRCh37 (hg19) VCF-style: chr2-170366752-G-A.
Other names: c.464G>A (NM_006063.2); short protein forms R155H.
Identifiers: ClinVar variation 2051459 (VCV002051459.4), dbSNP rs140948035, ClinGen allele CA1956509.

ClinVar aggregate classification (germline): Uncertain significance. Review status: criteria provided, multiple submitters, no conflicts (2 of 4 stars). 2 submissions from 2 submitters: Uncertain significance (2). Last evaluated 2024-12-22.

Conditions:
Inborn genetic diseases. Identifiers: MedGen C0950123, MeSH D030342.
Nemaline myopathy 9 (NEM9). Identifiers: MedGen C3810384, MONDO:0014326, OMIM 615731.

Allele frequency attached by ClinVar (database versions not stated): gnomAD exomes 0.00002; TOPMed 0.00002; gnomAD 0.00003; ExAC 0.00004; ESP Exome Variant Server 0.00008; 1000 Genomes Project 0.00040; 1000 Genomes Project 30x 0.00047.
gnomAD v4.1: 26 of 1,613,880 alleles (0.0016%); highest among the groups gnomAD compares: Admixed American, 0.005%; 1 homozygote.

Submissions (2):

Ambry Genetics
Classification: Uncertain significance for Inborn genetic diseases. Last evaluated: 2024-12-22. Review status: criteria provided, single submitter. Criteria: Ambry Variant Classification Scheme 2023. Collection method: clinical testing. Allele origin: germline.

Labcorp Genetics (formerly Invitae), Labcorp
Classification: Uncertain significance for Nemaline myopathy 9. Last evaluated: 2022-06-04. Review status: criteria provided, single submitter. Criteria: Invitae Variant Classification Sherloc (09022015). Collection method: clinical testing. Allele origin: germline.
Comment: In summary, the available evidence is currently insufficient to determine the role of this variant in disease. Therefore, it has been classified as a Variant of Uncertain Significance. Algorithms developed to predict the effect of missense changes on protein structure and function (SIFT, PolyPhen-2, Align-GVGD) all suggest that this variant is likely to be disruptive. This variant has not been reported in the literature in individuals affected with KLHL41-related conditions. This variant is present in population databases (rs140948035, gnomAD 0.006%). This sequence change replaces arginine, which is basic and polar, with histidine, which is basic and polar, at codon 155 of the KLHL41 protein (p.Arg155His).